The following is an entry in ClinVar:

NM_000372.5(TYR):c.730T>G (p.Cys244Gly)

Gene: TYR (tyrosinase; plus strand). Cytogenetic location: 11q14.3.
Variant type: single nucleotide variant.
Coding change: c.730T>G on transcript NM_000372.5 (MANE Select); coding-DNA position 730, T replaced by G.
Protein change: p.Cys244Gly; replaces cysteine 244 with glycine.
Molecular consequence: missense variant.
Genome position (GRCh38, 1-based): chr11:89,178,683, T>G. VCF-style: chr11-89178683-T-G. GRCh37 (hg19) VCF-style: chr11-88911851-T-G.
Other names: short protein forms C244G.
Identifiers: ClinVar variation 1354193 (VCV001354193.8), dbSNP rs2135242686, ClinGen allele CA382035232.

ClinVar aggregate classification (germline): Uncertain significance (1 of 4 stars; one submission).

Submission:

Labcorp Genetics (formerly Invitae), Labcorp
Classification: Uncertain significance. Last evaluated: 2020-12-05. Review status: criteria provided, single submitter. Criteria: Invitae Variant Classification Sherloc (09022015). Collection method: clinical testing. Allele origin: germline.
Comment: This sequence change replaces cysteine with glycine at codon 244 of the TYR protein (p.Cys244Gly). The cysteine residue is highly conserved and there is a large physicochemical difference between cysteine and glycine. This variant is not present in population databases (ExAC no frequency). In summary, the available evidence is currently insufficient to determine the role of this variant in disease. Therefore, it has been classified as a Variant of Uncertain Significance. Advanced modeling of protein sequence and biophysical properties (such as structural, functional, and spatial information, amino acid conservation, physicochemical variation, residue mobility, and thermodynamic stability) performed at Invitae indicates that this missense variant is expected to disrupt TYR protein function. This variant has not been reported in the literature in individuals with TYR-related conditions.